The following is an entry in ClinVar:

NM_000393.5(COL5A2):c.2506C>T (p.Arg836Ter)

Gene: COL5A2 (collagen type V alpha 2 chain; minus strand). Cytogenetic location: 2q32.2.
Variant type: single nucleotide variant.
Coding change: c.2506C>T on transcript NM_000393.5 (MANE Select); coding-DNA position 2506, C replaced by T.
Protein change: p.Arg836Ter; replaces arginine 836 with a stop codon.
Molecular consequence: nonsense.
Genome position (GRCh38, 1-based): chr2:189,053,471, G>A on the plus strand (C>T on the coding strand, the complement: COL5A2 is on the minus strand). VCF-style: chr2-189053471-G-A. GRCh37 (hg19) VCF-style: chr2-189918197-G-A.
Other names: short protein forms R836*.
Identifiers: ClinVar variation 4527289 (VCV004527289.1).

ClinVar aggregate classification (germline): Uncertain significance (1 of 4 stars; one submission).

gnomAD v4.1: 1 of 1,613,556 alleles (0.000062%); highest among the groups gnomAD compares: Non-Finnish European, 0.000085%; no homozygotes.

Submission:

GeneDx
Classification: Uncertain significance. Last evaluated: 2025-04-22. Review status: criteria provided, single submitter. Criteria: GeneDx Variant Classification Process June 2021. Collection method: clinical testing. Allele origin: germline. Affected: yes.
Comment: Not observed at significant frequency in large population cohorts (gnomAD); Nonsense variant predicted to result in protein truncation or nonsense mediated decay in a gene or region of a gene for which loss of function is not a well-established mechanism of disease; Has not been previously published as pathogenic or benign to our knowledge